The following is an entry in ClinVar:

ClinVar aggregate classification (germline): Uncertain significance (1 of 4 stars; one submission).

gnomAD v4.1: 1 of 1,614,156 alleles (0.000062%); no homozygotes.

Submission:

GeneDx
Classification: Uncertain significance. Last evaluated: 2023-02-10. Review status: criteria provided, single submitter. Criteria: GeneDx Variant Classification Process June 2021. Collection method: clinical testing. Allele origin: germline. Affected: yes.
Comment: Not observed at significant frequency in large population cohorts (gnomAD); In silico analysis supports that this missense variant does not alter protein structure/function; Has not been previously published as pathogenic or benign to our knowledge

NM_001378418.1(TCF20):c.1724C>G (p.Pro575Arg)

Gene: TCF20 (transcription factor 20; minus strand). Cytogenetic location: 22q13.2.
Variant type: single nucleotide variant.
Coding change: c.1724C>G on transcript NM_001378418.1 (MANE Select); coding-DNA position 1724, C replaced by G.
Protein change: p.Pro575Arg; replaces proline 575 with arginine.
Molecular consequence: missense variant.
Genome position (GRCh38, 1-based): chr22:42,213,582, G>C on the plus strand (C>G on the coding strand, the complement: TCF20 is on the minus strand). VCF-style: chr22-42213582-G-C. GRCh37 (hg19) VCF-style: chr22-42609588-G-C.
Other names: c.1724C>G, p.Pro575Arg (NM_005650.4, NM_181492.3); short protein forms P575R.
Identifiers: ClinVar variation 2575878 (VCV002575878.1), dbSNP rs751106277, ClinGen allele CA411790200.
Genomic context (GRCh38, chr22:42,213,582, plus strand): 5'-CCGTCGGATGACAATGGCATGTCCTTAGCGCCTGGTGAGGTGGCCTCTTCTCTTGCGGCA[G>C]GACTAGCATTGAGTCTGGGGGGTTCATTCTGAGCACCTTGTGCCGGTGAGGAGCCAGCTT-3'
Protein context (NP_001365347.1, residues 565-585): QNEPPRLNAS[Pro575Arg]AAREEATSPG